The following is an entry in ClinVar:

NM_001365276.2(TNXB):c.7673A>T (p.Asp2558Val)

Gene: TNXB (tenascin XB; minus strand). Cytogenetic location: 6p21.33.
Variant type: single nucleotide variant.
Coding change: c.7673A>T on transcript NM_001365276.2 (MANE Select); coding-DNA position 7673, A replaced by T.
Protein change: p.Asp2558Val; replaces aspartic acid 2558 with valine.
Molecular consequence: missense variant.
Genome position (GRCh38, 1-based): chr6:32,058,210, T>A on the plus strand (A>T on the coding strand, the complement: TNXB is on the minus strand). VCF-style: chr6-32058210-T-A. GRCh37 (hg19) VCF-style: chr6-32025987-T-A.
Other names: c.7673A>T, p.Asp2558Val (NM_019105.8); short protein forms D2558V.
Identifiers: ClinVar variation 1760086 (VCV001760086.2), dbSNP rs2483486263, ClinGen allele CA363551310.
Genomic context (GRCh38, chr6:32,058,210, plus strand): 5'-CTCACAGTGACCTTGCTCTCCTGGCCCCCAACACGCACCGCCTGGGGCCGCCCGTCCCTG[T>A]CCTTGTACTGCACGGTGAAGGAGTCAAAGCGGCCCTGGGGGACGGTCCAGGAAAGGCTCA-3'
Protein context (NP_001352205.1, residues 2548-2568): RFDSFTVQYK[Asp2558Val]RDGRPQAVRV

ClinVar aggregate classification (germline): Uncertain significance (1 of 4 stars; one submission).

Conditions:
Cardiovascular phenotype. Identifiers: MedGen CN230736.

Submission:

Ambry Genetics
Classification: Uncertain significance for Cardiovascular phenotype. Last evaluated: 2022-02-07. Review status: criteria provided, single submitter. Criteria: Ambry Variant Classification Scheme 2023. Collection method: clinical testing. Allele origin: germline.
Comment: The p.D2558V variant (also known as c.7673A>T), located in coding exon 21 of the TNXB gene, results from an A to T substitution at nucleotide position 7673. The aspartic acid at codon 2558 is replaced by valine, an amino acid with highly dissimilar properties. This amino acid position is conserved. In addition, the in silico prediction for this alteration is inconclusive. Since supporting evidence is limited at this time, the clinical significance of this alteration remains unclear.